The following is an entry in ClinVar:

ClinVar aggregate classification (germline): Uncertain significance (1 of 4 stars; one submission).

Conditions:
Primary pulmonary hypertension. Also called: Idiopathic pulmonary hypertension. Identifiers: MedGen C0152171.

Submission:

Labcorp Genetics (formerly Invitae), Labcorp
Classification: Uncertain significance for Primary pulmonary hypertension. Last evaluated: 2023-08-20. Review status: criteria provided, single submitter. Criteria: Invitae Variant Classification Sherloc (09022015). Collection method: clinical testing. Allele origin: germline.
Comment: This sequence change falls in intron 1 of the BMPR2 gene. It does not directly change the encoded amino acid sequence of the BMPR2 protein. In summary, the available evidence is currently insufficient to determine the role of this variant in disease. Therefore, it has been classified as a Variant of Uncertain Significance. Algorithms developed to predict the effect of sequence changes on RNA splicing suggest that this variant may disrupt the consensus splice site. This variant has not been reported in the literature in individuals affected with BMPR2-related conditions. This variant is not present in population databases (gnomAD no frequency).

NM_001204.7(BMPR2):c.77-6T>G

Gene: BMPR2 (bone morphogenetic protein receptor type 2; plus strand). Cytogenetic location: 2q33.1.
Variant type: single nucleotide variant.
Coding change: c.77-6T>G on transcript NM_001204.7 (MANE Select); 6 bases into the intron before coding-DNA position 77, T replaced by G.
Molecular consequence: intron variant.
Genome position (GRCh38, 1-based): chr2:202,464,803, T>G. VCF-style: chr2-202464803-T-G. GRCh37 (hg19) VCF-style: chr2-203329526-T-G.
Identifiers: ClinVar variation 2754141 (VCV002754141.3), dbSNP rs2469638371, ClinGen allele CA2697551491.